The following is an entry in ClinVar:

ClinVar aggregate classification (germline): Uncertain significance. Review status: criteria provided, multiple submitters, no conflicts (2 of 4 stars). 3 submissions from 3 submitters: Uncertain significance (3). Last evaluated 2024-09-17.

Conditions:
Polycystic kidney disease 2 (PKD2). Also called: POLYCYSTIC KIDNEY DISEASE 2 WITH OR WITHOUT POLYCYSTIC LIVER DISEASE; POLYCYSTIC KIDNEY DISEASE, ADULT, TYPE II; Polycystic Kidney Disease 2, Autosomal Dominant. Identifiers: MedGen C2751306, MONDO:0013131, OMIM 613095.
Autosomal dominant polycystic kidney disease. Identifiers: Orphanet 730, MedGen C0085413, MONDO:0004691.

Allele frequency attached by ClinVar (database versions not stated): TOPMed 0.00001.
gnomAD v4.1: 9 of 1,613,946 alleles (0.00056%); highest among the groups gnomAD compares: African/African-American, 0.0053%; no homozygotes.

Submissions (3):

GeneDx
Classification: Uncertain significance. Last evaluated: 2024-09-17. Review status: criteria provided, single submitter. Criteria: GeneDx Variant Classification Process June 2021. Collection method: clinical testing. Allele origin: germline. Affected: yes.
Comment: Not observed at significant frequency in large population cohorts (gnomAD); In silico analysis supports that this missense variant has a deleterious effect on protein structure/function; Has not been previously published as pathogenic or benign to our knowledge

Fulgent Genetics
Classification: Uncertain significance for Polycystic kidney disease 2. Last evaluated: 2021-10-29. Review status: criteria provided, single submitter. Criteria: ACMG Guidelines, 2015. Collection method: clinical testing. Allele origin: unknown.

Labcorp Genetics (formerly Invitae), Labcorp
Classification: Uncertain significance for Autosomal dominant polycystic kidney disease. Last evaluated: 2021-05-26. Review status: criteria provided, single submitter. Criteria: Invitae Variant Classification Sherloc (09022015). Collection method: clinical testing. Allele origin: germline.
Comment: This sequence change replaces arginine with cysteine at codon 910 of the PKD2 protein (p.Arg910Cys). The arginine residue is highly conserved and there is a large physicochemical difference between arginine and cysteine. In summary, the available evidence is currently insufficient to determine the role of this variant in disease. Therefore, it has been classified as a Variant of Uncertain Significance. Algorithms developed to predict the effect of missense changes on protein structure and function (SIFT, PolyPhen-2, Align-GVGD) all suggest that this variant is likely to be disruptive, but these predictions have not been confirmed by published functional studies and their clinical significance is uncertain. This variant has not been reported in the literature in individuals with PKD2-related conditions. This variant is not present in population databases (ExAC no frequency).

NM_000297.4(PKD2):c.2728C>T (p.Arg910Cys)

Gene: PKD2 (polycystin 2, transient receptor potential cation channel; plus strand). Cytogenetic location: 4q22.1.
Variant type: single nucleotide variant.
Coding change: c.2728C>T on transcript NM_000297.4 (MANE Select); coding-DNA position 2728, C replaced by T.
Protein change: p.Arg910Cys; replaces arginine 910 with cysteine.
Molecular consequence: missense variant. On other transcripts: non-coding transcript variant (1).
Genome position (GRCh38, 1-based): chr4:88,075,515, C>T. VCF-style: chr4-88075515-C-T. GRCh37 (hg19) VCF-style: chr4-88996667-C-T.
Other names: c.2728C>T (NM_000297.3); short protein forms R910C.
Identifiers: ClinVar variation 1525846 (VCV001525846.10), dbSNP rs377398357, ClinGen allele CA100895361.